The following is an entry in ClinVar:

NM_006901.4(MYO9A):c.2817C>T (p.Thr939=)

Gene: MYO9A (myosin IXA; minus strand). Cytogenetic location: 15q23.
Variant type: single nucleotide variant.
Coding change: c.2817C>T on transcript NM_006901.4 (MANE Select); coding-DNA position 2817, C replaced by T.
Protein change: p.Thr939=; no amino-acid change (threonine 939 retained).
Molecular consequence: synonymous variant.
Genome position (GRCh38, 1-based): chr15:71,903,989, G>A on the plus strand (C>T on the coding strand, the complement: MYO9A is on the minus strand). VCF-style: chr15-71903989-G-A. GRCh37 (hg19) VCF-style: chr15-72196330-G-A.
Identifiers: ClinVar variation 754937 (VCV000754937.28), dbSNP rs375628589, ClinGen allele CA7641730.

ClinVar aggregate classification (germline): Likely benign. Review status: criteria provided, multiple submitters, no conflicts (2 of 4 stars). 2 submissions from 2 submitters: Likely benign (2). Last evaluated 2026-01-01.

Allele frequency attached by ClinVar (database versions not stated): TOPMed 0.00011; gnomAD 0.00016 and 0.00017; ExAC 0.00017; gnomAD exomes 0.00017.
gnomAD v4.1: 280 of 1,613,838 alleles (0.017%); highest among the groups gnomAD compares: South Asian, 0.042%; 1 homozygote.

Submissions (2):

CeGaT Center for Human Genetics Tuebingen
Classification: Likely benign. Last evaluated: 2026-01-01. Review status: criteria provided, single submitter. Criteria: CeGaT Center For Human Genetics Tuebingen Variant Classification Criteria Version 2. Collection method: clinical testing. Allele origin: germline. Affected: yes. Observed: 3 variant alleles.
Comment: MYO9A: BP4, BP7

Labcorp Genetics (formerly Invitae), Labcorp
Classification: Likely benign. Last evaluated: 2019-12-31. Review status: criteria provided, single submitter. Criteria: Invitae Variant Classification Sherloc (09022015). Collection method: clinical testing. Allele origin: germline.